The following is an entry in ClinVar:

ClinVar aggregate classification (germline): Uncertain significance (1 of 4 stars; one submission).

Conditions:
Hyperphosphatasia with impaired intellectual development syndrome 2. Also called: Hyperphosphatasia with intellectual disability syndrome 2; GLYCOSYLPHOSPHATIDYLINOSITOL BIOSYNTHESIS DEFECT 6. Identifiers: Orphanet 247262, MedGen C3553637, MONDO:0013882, OMIM 614749.

Allele frequency attached by ClinVar (database versions not stated): gnomAD exomes below 0.00001; ExAC 0.00001.
gnomAD v4.1: 2 of 1,614,158 alleles (0.00012%); highest among the groups gnomAD compares: South Asian, 0.0011%; no homozygotes.

Submission:

Labcorp Genetics (formerly Invitae), Labcorp
Classification: Uncertain significance for Hyperphosphatasia with impaired intellectual development syndrome 2. Last evaluated: 2020-01-27. Review status: criteria provided, single submitter. Criteria: Invitae Variant Classification Sherloc (09022015). Collection method: clinical testing. Allele origin: germline.
Comment: This sequence change replaces leucine with tryptophan at codon 668 of the PIGO protein (p.Leu668Trp). The leucine residue is moderately conserved and there is a small physicochemical difference between leucine and tryptophan. In summary, the available evidence is currently insufficient to determine the role of this variant in disease. Therefore, it has been classified as a Variant of Uncertain Significance. Algorithms developed to predict the effect of missense changes on protein structure and function are either unavailable or do not agree on the potential impact of this missense change (SIFT: "Deleterious"; PolyPhen-2: "Benign"; Align-GVGD: "Class C0"). This variant has not been reported in the literature in individuals with PIGO-related conditions. This variant is present in population databases (rs746676621, ExAC 0.006%).

NM_032634.4(PIGO):c.2003T>G (p.Leu668Trp)

Gene: PIGO (phosphatidylinositol glycan anchor biosynthesis class O; minus strand). Cytogenetic location: 9p13.3.
Variant type: single nucleotide variant.
Coding change: c.2003T>G on transcript NM_032634.4 (MANE Select); coding-DNA position 2003, T replaced by G.
Protein change: p.Leu668Trp; replaces leucine 668 with tryptophan.
Molecular consequence: missense variant. On other transcripts: intron variant (2).
Genome position (GRCh38, 1-based): chr9:35,091,884, A>C on the plus strand (T>G on the coding strand, the complement: PIGO is on the minus strand). VCF-style: chr9-35091884-A-C. GRCh37 (hg19) VCF-style: chr9-35091881-A-C.
Other names: c.1345-593T>G (NM_152850.4, NM_001201484.2); short protein forms L668W.
Identifiers: ClinVar variation 851175 (VCV000851175.9), dbSNP rs746676621, ClinGen allele CA5040528.
Genomic context (GRCh38, chr9:35,091,884, plus strand): 5'-AGCCACAAGCGCACGGCAGCTAACAGGGCCACCAGCGCCGCCACACAAGCTCCATACCAC[A>C]AATTCTTGGCTCGACCACCCACCATGGATGCCAGAGGACTCAGCCAGGGAGAGGAGTGGC-3'
Protein context (NP_116023.2, residues 658-678): ASMVGGRAKN[Leu668Trp]WYGACVAALV